The following is an entry in ClinVar:

NM_032485.6(MCM8):c.151C>G (p.Gln51Glu)

Gene: MCM8 (minichromosome maintenance 8 homologous recombination repair factor; plus strand). Cytogenetic location: 20p12.3.
Variant type: single nucleotide variant.
Coding change: c.151C>G on transcript NM_032485.6 (MANE Select); coding-DNA position 151, C replaced by G.
Protein change: p.Gln51Glu; replaces glutamine 51 with glutamic acid.
Molecular consequence: missense variant.
Genome position (GRCh38, 1-based): chr20:5,952,426, C>G. VCF-style: chr20-5952426-C-G. GRCh37 (hg19) VCF-style: chr20-5933072-C-G.
Other names: c.151C>G, p.Gln51Glu (NM_001281520.2, NM_001281521.2, NM_001281522.2 and 1 more transcripts); short protein forms Q51E.
Identifiers: ClinVar variation 4886177 (VCV004886177.2).

ClinVar aggregate classification (germline): Uncertain significance (1 of 4 stars; one submission).

Submission:

Dasa
Classification: Uncertain significance. Last evaluated: 2025-07-14. Review status: criteria provided, single submitter. Criteria: DASA Assertion Criteria. Collection method: clinical testing. Allele origin: germline.
Comment: NM_032485.6(MCM8):c.151C>G (p.Gln51Glu) is a missense variant that results in the substitution of glutamine with glutamic acid. This variant is rare in population databases. Computational prediction algorithms are consistent with a deleterious effect. The currently available literature and clinical evidence are not sufficient to establish a definitive association between this variant and the reported condition. Therefore, this variant is classified as a variant of uncertain significance.